The following is an entry in ClinVar:

NM_000426.4(LAMA2):c.4498G>T (p.Gly1500Ter)

Gene: LAMA2 (laminin subunit alpha 2; plus strand). Cytogenetic location: 6q22.33.
Variant type: single nucleotide variant.
Coding change: c.4498G>T on transcript NM_000426.4 (MANE Select); coding-DNA position 4498, G replaced by T.
Protein change: p.Gly1500Ter; replaces glycine 1500 with a stop codon.
Molecular consequence: nonsense.
Genome position (GRCh38, 1-based): chr6:129,349,359, G>T. VCF-style: chr6-129349359-G-T. GRCh37 (hg19) VCF-style: chr6-129670504-G-T.
Other names: c.4498G>T, p.Gly1500Ter (NM_001079823.2); short protein forms G1500*.
Identifiers: ClinVar variation 1407781 (VCV001407781.6), dbSNP rs776889674, ClinGen allele CA365617518.

ClinVar aggregate classification (germline): Pathogenic (1 of 4 stars; one submission).

Conditions:
LAMA2-related muscular dystrophy (LAMA2-RD). Also called: Laminin alpha 2-related dystrophy. Identifiers: MedGen C5679788, MONDO:0100228.

Submission:

Labcorp Genetics (formerly Invitae), Labcorp
Classification: Pathogenic for LAMA2-related muscular dystrophy. Last evaluated: 2023-09-20. Review status: criteria provided, single submitter. Criteria: Invitae Variant Classification Sherloc (09022015). Collection method: clinical testing. Allele origin: germline.
Comment: For these reasons, this variant has been classified as Pathogenic. ClinVar contains an entry for this variant (Variation ID: 1407781). This variant has not been reported in the literature in individuals affected with LAMA2-related conditions. This variant is not present in population databases (gnomAD no frequency). This sequence change creates a premature translational stop signal (p.Gly1500*) in the LAMA2 gene. It is expected to result in an absent or disrupted protein product. Loss-of-function variants in LAMA2 are known to be pathogenic (PMID: 18700894, 32904964).

Literature cited by the submitters: PubMed 18700894; PubMed 32904964.